The following is an entry in ClinVar:

ClinVar aggregate classification (germline): Uncertain significance (1 of 4 stars; one submission).

Conditions:
Congenital contractures of the limbs and face, hypotonia, and developmental delay (CLIFAHDD). Identifiers: Orphanet 562528, MedGen C4225398, MONDO:0014556, OMIM 616266.

Submission:

Victorian Clinical Genetics Services, Murdoch Childrens Research Institute
Classification: Uncertain significance for Congenital contractures of the limbs and face, hypotonia, and developmental delay. Last evaluated: 2022-02-02. Review status: criteria provided, single submitter. Criteria: ACMG Guidelines, 2015. Collection method: clinical testing. Allele origin: germline. Affected: yes.
Comment: Based on the classification scheme VCGS_Germline_v1.3.4, this variant is classified as VUS-3A. Following criteria are met: 0102 - Loss of function is a known mechanism of disease in this gene and is associated with autosomal recessive hypotonia, infantile, with psychomotor retardation and characteristic facies 1 (MIM#615419). Dominant-negative and gain-of-function are postulated mechanisms for autosomal dominant congenital contractures of the limbs and face, hypotonia, and developmental delay (MIM# 6162660) (PMID: 26763878). (I) 0108 - This gene is associated with both recessive and dominant disease. The autosomal recessive condition is associated with both null variants and missense variants outside of the S5/S6 segments of the protein (PMID: 30167850). While the autosomal dominant condition is mostly associated with missense variants within the S5/S6 segments (PMID: 26763878). (I) 0200 - Variant is predicted to result in a missense amino acid change from glutamine to lysine. (I) 0251 - This variant is heterozygous. (I) 0301 - Variant is absent from gnomAD (both v2 and v3). (SP) 0502 - Missense variant with conflicting in silico predictions and uninformative conservation. (I) 0603 - Missense variant in a region that is highly intolerant to missense variation (high constraint region in DECIPHER). (SP) 0705 - No comparable missense have previous evidence for pathogenicity. (I) 0807 - This variant has no previous evidence of pathogenicity. (I) 0905 - No published segregation evidence has been identified for this variant. (I) 1007 - No published functional evidence has been identified for this variant. (I) 1208 - Inheritance information for this variant is not currently available in this individual. (I) Legend: (SP) - Supporting pathogenic, (I) - Information, (SB) - Supporting benign

Literature cited by the submitters: PubMed 26763878; PubMed 30167850.

NM_052867.4(NALCN):c.1432C>A (p.Gln478Lys)

Gene: NALCN (sodium leak channel, non-selective; minus strand). Cytogenetic location: 13q33.1.
Variant type: single nucleotide variant.
Coding change: c.1432C>A on transcript NM_052867.4 (MANE Select); coding-DNA position 1432, C replaced by A.
Protein change: p.Gln478Lys; replaces glutamine 478 with lysine.
Molecular consequence: missense variant.
Genome position (GRCh38, 1-based): chr13:101,237,757, G>T on the plus strand (C>A on the coding strand, the complement: NALCN is on the minus strand). VCF-style: chr13-101237757-G-T. GRCh37 (hg19) VCF-style: chr13-101890108-G-T.
Other names: c.1432C>A, p.Gln478Lys (NM_001350748.2, NM_001350749.2); c.1345C>A, p.Gln449Lys (NM_001350750.2, NM_001350751.2); short protein forms Q449K, Q478K.
Identifiers: ClinVar variation 3376660 (VCV003376660.1).
Genomic context (GRCh38, chr13:101,237,757, plus strand): 5'-GGTATTTACTCTGGAAATAAATAAATTTCTAAAGACAAATAGGCATTATTTTTATTACCT[G>T]AAAGTACGTGAATTGTGAATGATAAAGATCTGGGTATACATGAAGAGTAGTTCCAATTAC-3'
Protein context (NP_443099.1, residues 468-488): DLYHSQFTYF[Gln478Lys]VLRVVRLIKI